The following is an entry in ClinVar:

ClinVar aggregate classification (germline): Uncertain significance. Review status: criteria provided, multiple submitters, no conflicts (2 of 4 stars). 2 submissions from 2 submitters: Uncertain significance (2). Last evaluated 2025-10-02.

Conditions:
Inborn genetic diseases. Identifiers: MedGen C0950123, MeSH D030342.

Allele frequency attached by ClinVar (database versions not stated): gnomAD exomes 0.00003; TOPMed 0.00039; ExAC 0.00038; gnomAD 0.00026; 1000 Genomes Project 30x 0.00031.
gnomAD v4.1: 80 of 1,465,070 alleles (0.0055%); highest among the groups gnomAD compares: African/African-American, 0.1%; no homozygotes.

Submissions (2):

Ambry Genetics
Classification: Uncertain significance for Inborn genetic diseases. Last evaluated: 2025-10-02. Review status: criteria provided, single submitter. Criteria: Ambry Variant Classification Scheme 2023. Collection method: clinical testing. Allele origin: germline.

Labcorp Genetics (formerly Invitae), Labcorp
Classification: Uncertain significance. Last evaluated: 2021-11-30. Review status: criteria provided, single submitter. Criteria: Invitae Variant Classification Sherloc (09022015). Collection method: clinical testing. Allele origin: germline.
Comment: This sequence change replaces glycine, which is neutral and non-polar, with serine, which is neutral and polar, at codon 15 of the FGF3 protein (p.Gly15Ser). The frequency data for this variant in the population databases is considered unreliable, as metrics indicate poor data quality at this position in the gnomAD database. This variant has not been reported in the literature in individuals affected with FGF3-related conditions. Algorithms developed to predict the effect of missense changes on protein structure and function output the following: SIFT: "Tolerated"; PolyPhen-2: "Not Available"; Align-GVGD: "Class C0". The serine amino acid residue is found in multiple mammalian species, which suggests that this missense change does not adversely affect protein function. In summary, the available evidence is currently insufficient to determine the role of this variant in disease. Therefore, it has been classified as a Variant of Uncertain Significance.

NM_005247.4(FGF3):c.43G>A (p.Gly15Ser)

Genes: FGF3 (fibroblast growth factor 3; minus strand), LOC109115964 (FGF3 5' regulatory region; plus strand). Cytogenetic location: 11q13.3.
Variant type: single nucleotide variant.
Coding change: c.43G>A on transcript NM_005247.4 (MANE Select); coding-DNA position 43, G replaced by A.
Protein change: p.Gly15Ser; replaces glycine 15 with serine.
Molecular consequence: missense variant.
Genome position (GRCh38, 1-based): chr11:69,818,891, C>T on the plus strand (G>A on the coding strand, the complement: FGF3 is on the minus strand). VCF-style: chr11-69818891-C-T. GRCh37 (hg19) VCF-style: chr11-69633659-C-T.
Other names: c.43G>A (NM_005247.2); short protein forms G15S.
Identifiers: ClinVar variation 2059289 (VCV002059289.3), dbSNP rs781913822, ClinGen allele CA6157191.